The following is an entry in ClinVar:

NM_054012.4(ASS1):c.404T>C (p.Leu135Pro)

Gene: ASS1 (argininosuccinate synthase 1; plus strand). Cytogenetic location: 9q34.11.
Variant type: single nucleotide variant.
Coding change: c.404T>C on transcript NM_054012.4 (MANE Select); coding-DNA position 404, T replaced by C.
Protein change: p.Leu135Pro; replaces leucine 135 with proline.
Molecular consequence: missense variant.
Genome position (GRCh38, 1-based): chr9:130,464,151, T>C. VCF-style: chr9-130464151-T-C. GRCh37 (hg19) VCF-style: chr9-133339538-T-C.
Other names: c.404T>C, p.Leu135Pro (NM_000050.4); short protein forms L135P.
Identifiers: ClinVar variation 2695236 (VCV002695236.3), dbSNP rs2490546386, ClinGen allele CA375225837.
Genomic context (GRCh38, chr9:130,464,151, plus strand): 5'-CCCTCTGTTCTGCATTGCAGGGGAACGATCAGGTCCGGTTTGAGCTCAGCTGCTACTCAC[T>C]GGCCCCCCAGATAAAGGTAGGATGTGGCTCCTCCCCTTAGCAGGGAGCACTAGCATCTGC-3'
Protein context (NP_446464.1, residues 125-145): QVRFELSCYS[Leu135Pro]APQIKVIAPW

ClinVar aggregate classification (germline): Uncertain significance (1 of 4 stars; one submission).

Conditions:
Citrullinemia. Identifiers: Orphanet 187, MedGen C0175683, MONDO:0015991.

Submission:

Labcorp Genetics (formerly Invitae), Labcorp
Classification: Uncertain significance for Citrullinemia. Last evaluated: 2023-11-19. Review status: criteria provided, single submitter. Criteria: Invitae Variant Classification Sherloc (09022015). Collection method: clinical testing. Allele origin: germline.
Comment: This sequence change replaces leucine, which is neutral and non-polar, with proline, which is neutral and non-polar, at codon 135 of the ASS1 protein (p.Leu135Pro). This variant is not present in population databases (gnomAD no frequency). This variant has not been reported in the literature in individuals affected with ASS1-related conditions. Advanced modeling of protein sequence and biophysical properties (such as structural, functional, and spatial information, amino acid conservation, physicochemical variation, residue mobility, and thermodynamic stability) performed at Invitae indicates that this missense variant is expected to disrupt ASS1 protein function with a positive predictive value of 80%. In summary, the available evidence is currently insufficient to determine the role of this variant in disease. Therefore, it has been classified as a Variant of Uncertain Significance.